The following is an entry in ClinVar:

ClinVar aggregate classification (germline): Conflicting classifications of pathogenicity. Review status: criteria provided, conflicting classifications (1 of 4 stars). 6 submissions from 6 submitters: Uncertain significance (5); Likely benign (1). Last evaluated 2026-06-04.

Conditions:
Hereditary diffuse gastric adenocarcinoma (HDGC). Also called: DIFFUSE GASTRIC AND LOBULAR BREAST CANCER SYNDROME. Identifiers: Orphanet 26106, MedGen C1708349, MONDO:0007648, OMIM 137215.
Hereditary cancer-predisposing syndrome. Also called: Tumor predisposition; Hereditary Cancer Syndrome; Neoplastic Syndromes, Hereditary; Hereditary neoplastic syndrome. Identifiers: Orphanet 140162, MedGen C0027672, MeSH D009386, MONDO:0015356.

Allele frequency attached by ClinVar (database versions not stated): gnomAD exomes below 0.00001; TOPMed 0.00001.
gnomAD v4.1: 2 of 1,614,154 alleles (0.00012%); highest among the groups gnomAD compares: Non-Finnish European, 0.00017%; no homozygotes.

Submissions (6):

Ambry Genetics
Classification: Likely benign for Hereditary cancer-predisposing syndrome. Last evaluated: 2026-06-04. Review status: criteria provided, single submitter. Criteria: Ambry Variant Classification Scheme 2023. Collection method: clinical testing. Allele origin: germline.

Labcorp Genetics (formerly Invitae), Labcorp
Classification: Uncertain significance for Hereditary diffuse gastric adenocarcinoma. Last evaluated: 2025-12-17. Review status: criteria provided, single submitter. Criteria: Invitae Variant Classification Sherloc (09022015). Collection method: clinical testing. Allele origin: germline.
Comment: This sequence change replaces glutamine, which is neutral and polar, with arginine, which is basic and polar, at codon 136 of the CDH1 protein (p.Gln136Arg). This variant is present in population databases (no rsID available, gnomAD 0.0009%). This variant has not been reported in the literature in individuals affected with CDH1-related conditions. ClinVar contains an entry for this variant (Variation ID: 579720). An algorithm developed to predict the effect of missense changes on protein structure and function outputs the following: PolyPhen-2: "Benign". The arginine amino acid residue is found in multiple mammalian species, which suggests that this missense change does not adversely affect protein function. In summary, the available evidence is currently insufficient to determine the role of this variant in disease. Therefore, it has been classified as a Variant of Uncertain Significance.

Center for Genomic Medicine, Rigshospitalet, Copenhagen University Hospital
Classification: Uncertain significance. Last evaluated: 2025-03-04. Review status: criteria provided, single submitter. Criteria: ACMG Guidelines, 2015. Collection method: clinical testing. Allele origin: germline.

Color Diagnostics, LLC DBA Color Health
Classification: Uncertain significance for Hereditary cancer-predisposing syndrome. Last evaluated: 2023-04-11. Review status: criteria provided, single submitter. Criteria: ACMG Guidelines, 2015. Collection method: clinical testing. Allele origin: germline.
Comment: This missense variant replaces glutamine with arginine at codon 136 of the CDH1 protein. To our knowledge, functional studies have not been reported for this variant. This variant has not been reported in individuals affected with CDH1-related disorders in the literature. This variant has been identified in 1/251394 chromosomes in the general population by the Genome Aggregation Database (gnomAD). The available evidence is insufficient to determine the role of this variant in disease conclusively. Therefore, this variant is classified as a Variant of Uncertain Significance.

Sema4
Classification: Uncertain significance for Hereditary cancer-predisposing syndrome. Last evaluated: 2021-08-02. Review status: criteria provided, single submitter. Criteria: Sema4 Curation Guidelines. Collection method: curation. Allele origin: germline.
Comment: To the best of our knowledge, the CDH1 c.407A>G (p.Q136R) variant has not been reported in individuals with CDH1-related disease. In a breast cancer case-control study, this variant was absent in cases and was identified in three healthy controls (PMID: 33471991). It was observed in 1/113676 chromosomes of the Non-Finnish European subpopulation in the large and broad cohorts of the Genome Aggregation Database (PMID: 32461654).The variant has been reported in ClinVar (Variation ID 579720). In silico tools suggest the impact of the variant on protein function is benign, though these predictions have not been confirmed by functional studies. There is no indication that this variant causes disease, but the evidence is insufficient currently to prove that conclusively. Thus, the clinical significance of this variant is currently uncertain.

GeneDx
Classification: Uncertain significance. Last evaluated: 2019-06-21. Review status: criteria provided, single submitter. Criteria: GeneDx Variant Classification Process June 2021. Collection method: clinical testing. Allele origin: germline. Affected: yes.
Comment: Not observed at a significant frequency in large population cohorts (Lek et al., 2016); Has not been previously published as pathogenic or benign to our knowledge

Literature cited by the submitters: PubMed 33471991 (cited by Sema4).

NM_004360.5(CDH1):c.407A>G (p.Gln136Arg)

Gene: CDH1 (cadherin 1; plus strand). Cytogenetic location: 16q22.1.
Variant type: single nucleotide variant.
Coding change: c.407A>G on transcript NM_004360.5 (MANE Select); coding-DNA position 407, A replaced by G.
Protein change: p.Gln136Arg; replaces glutamine 136 with arginine.
Molecular consequence: missense variant. On other transcripts: 5 prime UTR variant (2).
Genome position (GRCh38, 1-based): chr16:68,808,443, A>G. VCF-style: chr16-68808443-A-G. GRCh37 (hg19) VCF-style: chr16-68842346-A-G.
Other names: c.407A>G (LRG_301t1); c.407A>G, p.Gln136Arg (NM_001317184.2); c.-1209A>G (NM_001317185.2); c.-1413A>G (NM_001317186.2); short protein forms Q136R.
Identifiers: ClinVar variation 579720 (VCV000579720.25), dbSNP rs1184630483, ClinGen allele CA396457555.